The following is an entry in ClinVar:

ClinVar aggregate classification (germline): Uncertain significance. Review status: criteria provided, multiple submitters, no conflicts (2 of 4 stars). 3 submissions from 3 submitters: Uncertain significance (3). Last evaluated 2025-09-08.

Conditions:
Multiple endocrine neoplasia, type 2 (MEN2). Identifiers: Orphanet 653, MedGen C4048306, MONDO:0019003. Disease mechanism: gain of function.
Hereditary cancer-predisposing syndrome. Also called: Hereditary neoplastic syndrome; Tumor predisposition; Neoplastic Syndromes, Hereditary; Hereditary Cancer Syndrome. Identifiers: Orphanet 140162, MedGen C0027672, MeSH D009386, MONDO:0015356.

Submissions (3):

Color Diagnostics, LLC DBA Color Health
Classification: Uncertain significance for Multiple endocrine neoplasia, type 2. Last evaluated: 2025-09-08. Review status: criteria provided, single submitter. Criteria: ACMG Guidelines, 2015. Collection method: clinical testing. Allele origin: germline.
Comment: This missense variant replaces serine with arginine at codon 1094 of the RET protein. Computational prediction suggests that this variant may not impact protein structure and function. To our knowledge, functional studies have not been reported for this variant. This variant has not been reported in individuals affected with RET-related disorders in the literature. This variant has not been identified in the general population by the Genome Aggregation Database (gnomAD). The available evidence is insufficient to determine the role of this variant in disease conclusively. Therefore, this variant is classified as a Variant of Uncertain Significance.

Ambry Genetics
Classification: Uncertain significance for Hereditary cancer-predisposing syndrome. Last evaluated: 2025-06-09. Review status: criteria provided, single submitter. Criteria: Ambry Variant Classification Scheme 2023. Collection method: clinical testing. Allele origin: germline.
Comment: The p.S1094R variant (also known as c.3280A>C), located in coding exon 20 of the RET gene, results from an A to C substitution at nucleotide position 3280. The serine at codon 1094 is replaced by arginine, an amino acid with dissimilar properties. This amino acid position is highly conserved in available vertebrate species. In addition, the in silico prediction for this alteration is inconclusive. Based on the available evidence, the clinical significance of this variant remains unclear.

Labcorp Genetics (formerly Invitae), Labcorp
Classification: Uncertain significance for Multiple endocrine neoplasia, type 2. Last evaluated: 2018-02-12. Review status: criteria provided, single submitter. Criteria: Invitae Variant Classification Sherloc (09022015). Collection method: clinical testing. Allele origin: germline.
Comment: Algorithms developed to predict the effect of missense changes on protein structure and function do not agree on the potential impact of this missense change (SIFT: "Deleterious"; PolyPhen-2: "Probably Damaging"; Align-GVGD: "Class C0"). This variant has not been reported in the literature in individuals with RET-related disease. This variant is not present in population databases (ExAC no frequency). This sequence change replaces serine with arginine at codon 1094 of the RET protein (p.Ser1094Arg). The serine residue is moderately conserved and there is a moderate physicochemical difference between serine and arginine. In summary, the available evidence is currently insufficient to determine the role of this variant in disease. Therefore, it has been classified as a Variant of Uncertain Significance.

NM_020975.6(RET):c.3280A>C (p.Ser1094Arg)

Gene: RET (ret proto-oncogene; plus strand). Cytogenetic location: 10q11.21.
Variant type: single nucleotide variant.
Coding change: c.3280A>C on transcript NM_020975.6 (MANE Select); coding-DNA position 3280, A replaced by C.
Protein change: p.Ser1094Arg; replaces serine 1094 with arginine.
Molecular consequence: missense variant.
Genome position (GRCh38, 1-based): chr10:43,128,204, A>C. VCF-style: chr10-43128204-A-C. GRCh37 (hg19) VCF-style: chr10-43623652-A-C.
Other names: c.3280A>C (LRG_518t1); short protein forms S1094R.
Identifiers: ClinVar variation 569236 (VCV000569236.12), dbSNP rs1171787901, ClinGen allele CA376559119.
Genomic context (GRCh38, chr10:43,128,204, plus strand): 5'-CCTGTACCACTCACGAGAGCTGATGGCACTAACACTGGGTTTCCAAGATATCCAAATGAT[A>C]GTGTATATGCTAACTGGATGCTTTCACCCTCAGCGGCAAAATTAATGGACACGTTTGATA-3'
Protein context (NP_066124.1, residues 1084-1104): NTGFPRYPND[Ser1094Arg]VYANWMLSPS